The following is an entry in ClinVar:

NM_138694.4(PKHD1):c.6227_6276del (p.Val2076fs)

Gene: PKHD1 (PKHD1 ciliary IPT domain containing fibrocystin/polyductin; minus strand). Cytogenetic location: 6p12.2.
Variant type: Deletion.
Coding change: c.6227_6276del on transcript NM_138694.4 (MANE Select); coding-DNA positions 6227 to 6276, 50 bases deleted.
Protein change: p.Val2076fs; shifts the reading frame from valine 2076.
Molecular consequence: frameshift variant.
Genome position (GRCh38, 1-based): chr6:51,912,422-51,912,471, 50 bases deleted; deleting any 50 consecutive bases within chr6:51,912,422-51,912,473 gives the same sequence; the c. name uses the placement nearest the transcript's 3' end. GRCh37 (hg19): chr6:51,777,222-51,777,271.
Other names: c.6227_6276del, p.Val2076fs (NM_170724.3); short protein forms V2076fs.
Identifiers: ClinVar variation 4081768 (VCV004081768.1).

ClinVar aggregate classification (germline): Pathogenic (1 of 4 stars; one submission).

Conditions:
Polycystic kidney disease 4 (PKD4). Also called: POLYCYSTIC KIDNEY AND HEPATIC DISEASE 1; POLYCYSTIC KIDNEY DISEASE, INFANTILE, TYPE I; POLYCYSTIC KIDNEY DISEASE 4 WITH OR WITHOUT POLYCYSTIC LIVER DISEASE; PKD3; Autosomal Recessive Polycystic Kidney Disease – PKHD1. Identifiers: MedGen C4540575, MONDO:0033004, OMIM 263200.

Submission:

Myriad Genetics, Inc.
Classification: Pathogenic for Polycystic kidney disease 4. Last evaluated: 2025-05-13. Review status: criteria provided, single submitter. Criteria: Myriad Autosomal Dominant, Autosomal Recessive and X-Linked Classification Criteria (2023). Collection method: clinical testing. Allele origin: unknown.
Comment: NM_138694.3(PKHD1):c.6227_6276del50(V2076Dfs*15) is a frameshift variant classified as pathogenic in the context of autosomal recessive polycystic kidney disease, PKHD1-related. V2076Dfs*15 has not been observed in cases with relevant disease. Relevant functional assessments of this variant are not available in the literature. V2076Dfs*15 has not been observed in referenced population frequency databases. In summary, NM_138694.3(PKHD1):c.6227_6276del50(V2076Dfs*15) is a frameshift variant in a gene where loss of function is a known mechanism of disease and is predicted to disrupt protein function. Please note: this variant was assessed in the context of healthy population screening.